The following is an entry in ClinVar:

NM_000264.5(PTCH1):c.3932T>G (p.Leu1311Trp)

Gene: PTCH1 (patched 1; minus strand). Cytogenetic location: 9q22.32.
Variant type: single nucleotide variant.
Coding change: c.3932T>G on transcript NM_000264.5 (MANE Select); coding-DNA position 3932, T replaced by G.
Protein change: p.Leu1311Trp; replaces leucine 1311 with tryptophan.
Molecular consequence: missense variant. On other transcripts: non-coding transcript variant (1).
Genome position (GRCh38, 1-based): chr9:95,447,324, A>C on the plus strand (T>G on the coding strand, the complement: PTCH1 is on the minus strand). VCF-style: chr9-95447324-A-C. GRCh37 (hg19) VCF-style: chr9-98209606-A-C.
Other names: c.3734T>G, p.Leu1245Trp (NM_001083602.3); c.3929T>G, p.Leu1310Trp (NM_001083603.3); c.3479T>G, p.Leu1160Trp (NM_001083604.3, NM_001083605.3, NM_001083606.3 and 1 more transcripts); c.3776T>G, p.Leu1259Trp (NM_001354918.2); short protein forms L1259W, L1310W, L1311W, L1245W, L1160W.
Identifiers: ClinVar variation 5027496 (VCV005027496.1).
Genomic context (GRCh38, chr9:95,447,324, plus strand): 5'-GAATGCCCTTCAGTAGAAATTTCAAAAGCGTCTCTGCGCGGTCTGTAGGGGGGTGGCCAC[A>C]AGCCTTCTCTGGGGGGGTCCCTGCGGGGCTGCTGGCCTTGCCGTCCGGGAGGCAGGGACC-3'
Protein context (NP_000255.2, residues 1301-1321): QPRRDPPREG[Leu1311Trp]WPPPYRPRRD

ClinVar aggregate classification (germline): Uncertain significance (1 of 4 stars; one submission).

Conditions:
Hereditary cancer-predisposing syndrome. Also called: Neoplastic Syndromes, Hereditary; Tumor predisposition; Hereditary neoplastic syndrome; Hereditary Cancer Syndrome. Identifiers: Orphanet 140162, MedGen C0027672, MeSH D009386, MONDO:0015356.

Submission:

Ambry Genetics
Classification: Uncertain significance for Hereditary cancer-predisposing syndrome. Last evaluated: 2026-07-07. Review status: criteria provided, single submitter. Criteria: Ambry Variant Classification Scheme 2023. Collection method: clinical testing. Allele origin: germline.
Comment: The p.L1245W variant (also known as c.3734T>G), located in coding exon 23 of the PTCH1 gene, results from a T to G substitution at nucleotide position 3734. The leucine at codon 1245 is replaced by tryptophan, an amino acid with similar properties. This amino acid position is conserved. In addition, this alteration is predicted to be tolerated by in silico analysis. Based on the available evidence, the clinical significance of this variant remains unclear.